The following is an entry in ClinVar:

ClinVar aggregate classification (germline): Pathogenic (0 of 4 stars; one submission).

Conditions:
NIPBL-related disorder. Also called: NIPBL-related condition.

Submission:

PreventionGenetics, part of Exact Sciences
Classification: Pathogenic for NIPBL-related condition. Last evaluated: 2024-01-03. Review status: no assertion criteria provided. Collection method: clinical testing. Allele origin: germline.
Comment: The NIPBL c.6873dupT variant is predicted to result in a frameshift and premature protein termination (p.His2292Serfs*48). This variant has been reported as de novo in an individual with Cornelia de Lange syndrome (reported as c.6874insT/p.H2292SfsX46 in Yan et al. 2006. PubMed ID: 16770807). This variant has not been reported in a large population database, indicating this variant is rare. Frameshift variants in NIPBL are expected to be pathogenic. This variant is interpreted as pathogenic.

NM_133433.4(NIPBL):c.6873dup (p.His2292fs)

Gene: NIPBL (NIPBL cohesin loading factor; plus strand). Cytogenetic location: 5p13.2.
Variant type: Duplication.
Coding change: c.6873dup on transcript NM_133433.4 (MANE Select); coding-DNA position 6873, one base duplicated (T; older notation c.6873dupT).
Protein change: p.His2292fs; shifts the reading frame from histidine 2292.
Molecular consequence: frameshift variant.
Genome position (GRCh38, 1-based): chr5:37,049,220, T duplicated; the last of 6 consecutive T bases (chr5:37,049,215-37,049,220); duplicating any one gives the same sequence. VCF-style (leftmost placement, unchanged base first): chr5-37049214-A-AT. GRCh37 (hg19) VCF-style: chr5-37049316-A-AT.
Other names: c.6873dup, p.His2292fs (NM_015384.5); short protein forms H2292fs.
Identifiers: ClinVar variation 3044915 (VCV003044915.2), dbSNP rs2478624702, ClinGen allele CA2695204427.